The following is an entry in ClinVar:

ClinVar aggregate classification (germline): Uncertain significance. Review status: criteria provided, multiple submitters, no conflicts (2 of 4 stars). 2 submissions from 2 submitters: Uncertain significance (2). Last evaluated 2026-06-09.

Allele frequency attached by ClinVar (database versions not stated): gnomAD exomes 0.00001; TOPMed below 0.00001.
gnomAD v4.1: 13 of 1,565,580 alleles (0.00083%); highest among the groups gnomAD compares: Non-Finnish European, 0.0011%; no homozygotes.

Submissions (2):

Ambry Genetics
Classification: Uncertain significance. Last evaluated: 2026-06-09. Review status: criteria provided, single submitter. Criteria: Ambry Variant Classification Scheme 2023. Collection method: clinical testing. Allele origin: germline.
Comment: The p.Q899R variant (also known as c.2696A>G), located in coding exon 13 of the GEN1 gene, results from an A to G substitution at nucleotide position 2696. The glutamine at codon 899 is replaced by arginine, an amino acid with highly similar properties. This amino acid position is conserved. In addition, this alteration is predicted to be tolerated by in silico analysis. Based on the available evidence, the clinical significance of this variant remains unclear.

Labcorp Genetics (formerly Invitae), Labcorp
Classification: Uncertain significance. Last evaluated: 2023-11-24. Review status: criteria provided, single submitter. Criteria: Invitae Variant Classification Sherloc (09022015). Collection method: clinical testing. Allele origin: germline.
Comment: This sequence change replaces glutamine, which is neutral and polar, with arginine, which is basic and polar, at codon 899 of the GEN1 protein (p.Gln899Arg). This variant is not present in population databases (gnomAD no frequency). This variant has not been reported in the literature in individuals affected with GEN1-related conditions. An algorithm developed to predict the effect of missense changes on protein structure and function (PolyPhen-2) suggests that this variant is likely to be disruptive. In summary, the available evidence is currently insufficient to determine the role of this variant in disease. Therefore, it has been classified as a Variant of Uncertain Significance.

NM_001130009.3(GEN1):c.2696A>G (p.Gln899Arg)

Gene: GEN1 (GEN1 structure-specific endonuclease; plus strand). Cytogenetic location: 2p24.2.
Variant type: single nucleotide variant.
Coding change: c.2696A>G on transcript NM_001130009.3 (MANE Select); coding-DNA position 2696, A replaced by G.
Protein change: p.Gln899Arg; replaces glutamine 899 with arginine.
Molecular consequence: missense variant.
Genome position (GRCh38, 1-based): chr2:17,781,908, A>G. VCF-style: chr2-17781908-A-G. GRCh37 (hg19) VCF-style: chr2-17963175-A-G.
Other names: c.2696A>G, p.Gln899Arg (NM_182625.5); c.2696A>G (NM_001130009.1); short protein forms Q899R.
Identifiers: ClinVar variation 2899966 (VCV002899966.4), dbSNP rs1672861413, ClinGen allele CA345928625.